The following is an entry in ClinVar:

ClinVar aggregate classification (germline): Pathogenic (1 of 4 stars; one submission).

Conditions:
Hereditary cancer-predisposing syndrome. Also called: Tumor predisposition; Neoplastic Syndromes, Hereditary; Hereditary neoplastic syndrome; Hereditary Cancer Syndrome. Identifiers: Orphanet 140162, MedGen C0027672, MeSH D009386, MONDO:0015356.
Cardiovascular phenotype. Identifiers: MedGen CN230736.

Submission:

Ambry Genetics
Classification: Pathogenic for Cardiovascular phenotype; Hereditary cancer-predisposing syndrome. Last evaluated: 2026-05-04. Review status: criteria provided, single submitter. Criteria: Ambry Variant Classification Scheme 2023. Collection method: clinical testing. Allele origin: germline.
Comment: The c.889-7324A>G intronic pathogenic mutation results from an A to G substitution 7324 nucleotides upstream from coding exon 9 in the NF1 gene. This variant was reported in individual(s) with features consistent with neurofibromatosis type 1; in at least one individual, it was determined to be de novo (Koczkowska M et al. Hum Genet, 2023 Jul;142:849-861; Ambry internal data). This nucleotide position is conserved on limited sequence alignment. In silico splice site analysis predicts that this alteration may result in the creation or strengthening of a novel splice donor site. RNA studies have demonstrated that this variant results in abnormal splicing (Koczkowska M et al. Hum Genet, 2023 Jul;142:849-861; Ambry internal data). This variant is considered to be rare based on population cohorts in the Genome Aggregation Database (gnomAD). Based on the supporting evidence, this variant is interpreted as a disease-causing mutation.

Literature cited by the submitters: PubMed 37186028.

NM_001042492.3(NF1):c.889-7324A>G

Gene: NF1 (neurofibromin 1; plus strand). Cytogenetic location: 17q11.2.
Variant type: single nucleotide variant.
Coding change: c.889-7324A>G on transcript NM_001042492.3 (MANE Select); 7324 bases into the intron before coding-DNA position 889, A replaced by G.
Molecular consequence: intron variant.
Genome position (GRCh38, 1-based): chr17:31,193,098, A>G. VCF-style: chr17-31193098-A-G. GRCh37 (hg19) VCF-style: chr17-29520116-A-G.
Other names: c.889-7324A>G (NM_000267.4, NM_001128147.3, NM_000267.3).
Identifiers: ClinVar variation 4819709 (VCV004819709.2).